The following is an entry in ClinVar:

NM_024753.5(TTC21B):c.3641_3657del (p.Asp1214fs)

Gene: TTC21B (tetratricopeptide repeat domain 21B; minus strand). Cytogenetic location: 2q24.3.
Variant type: Deletion.
Coding change: c.3641_3657del on transcript NM_024753.5 (MANE Select); coding-DNA positions 3641 to 3657, 17 bases deleted (ACATGGCAGAAGACCTG).
Protein change: p.Asp1214fs; shifts the reading frame from aspartic acid 1214.
Molecular consequence: frameshift variant.
Genome position (GRCh38, 1-based): chr2:165,883,821-165,883,837, CAGGTCTTCTGCCATGT deleted on the plus strand (ACATGGCAGAAGACCTG on the coding strand, the reverse complement: TTC21B is on the minus strand); deleting any 17 consecutive bases within chr2:165,883,821-165,883,839 gives the same sequence; the c. name uses the placement nearest the transcript's 3' end. VCF-style (leftmost placement, unchanged base first): chr2-165883820-ACAGGTCTTCTGCCATGT-A. GRCh37 (hg19) VCF-style: chr2-166740330-ACAGGTCTTCTGCCATGT-A.
Other names: short protein forms D1214fs.
Identifiers: ClinVar variation 2935078 (VCV002935078.3), dbSNP rs1451904718, ClinGen allele CA760187590.
Genomic context (GRCh38, chr2:165,883,820, plus strand): 5'-GTCAATAATTATTTTTTACTCTTCAATCACCTACTCTATTATGACGCAGGCACCGTTTTA[ACAGGTCTTCTGCCATGT>A]CATATTTTGCTGATTGAATGTAAATATCAGCAAGTAGCAGCCAACTCTTCTCAAACTCTT-3'

ClinVar aggregate classification (germline): Pathogenic (1 of 4 stars; one submission).

Conditions:
Jeune thoracic dystrophy. Also called: Jeune syndrome; Infantile thoracic dystrophy; Thoracic pelvic phalangeal dystrophy; Jeune's syndrome; Chondroectodermal dysplasia-like syndrome; Short-rib thoracic dysplasia. Identifiers: Orphanet 474, MedGen C0265275, MONDO:0018770.
Nephronophthisis. Also called: Juvenile Nephronophthisis. Identifiers: Orphanet 655, MedGen C0687120, MONDO:0019005, HP:0000090.

Submission:

Labcorp Genetics (formerly Invitae), Labcorp
Classification: Pathogenic for Jeune thoracic dystrophy; Nephronophthisis. Last evaluated: 2023-01-21. Review status: criteria provided, single submitter. Criteria: Invitae Variant Classification Sherloc (09022015). Collection method: clinical testing. Allele origin: germline.
Comment: For these reasons, this variant has been classified as Pathogenic. Algorithms developed to predict the effect of sequence changes on RNA splicing suggest that this variant may disrupt the consensus splice site. This variant has not been reported in the literature in individuals affected with TTC21B-related conditions. This variant is not present in population databases (gnomAD no frequency). This sequence change creates a premature translational stop signal (p.Asp1214Valfs*8) in the TTC21B gene. It is expected to result in an absent or disrupted protein product. Loss-of-function variants in TTC21B are known to be pathogenic (PMID: 18327258, 21068128, 21258341, 23559409, 24876116, 25492405, 27491411, 29068549).

Literature cited by the submitters: PubMed 18327258; PubMed 21068128; PubMed 21258341; PubMed 23559409; PubMed 24876116; PubMed 25492405; PubMed 27491411; PubMed 29068549.